The following is an entry in ClinVar:

NM_006031.6(PCNT):c.1438A>G (p.Ser480Gly)

Gene: PCNT (pericentrin; plus strand). Cytogenetic location: 21q22.3.
Variant type: single nucleotide variant.
Coding change: c.1438A>G on transcript NM_006031.6 (MANE Select); coding-DNA position 1438, A replaced by G.
Protein change: p.Ser480Gly; replaces serine 480 with glycine.
Molecular consequence: missense variant.
Genome position (GRCh38, 1-based): chr21:46,351,522, A>G. VCF-style: chr21-46351522-A-G. GRCh37 (hg19) VCF-style: chr21-47771436-A-G.
Other names: c.1084A>G, p.Ser362Gly (NM_001315529.2); c.1438A>G (NM_006031.5); short protein forms S362G, S480G.
Identifiers: ClinVar variation 2075235 (VCV002075235.7), dbSNP rs199807929, ClinGen allele CA10078606.

ClinVar aggregate classification (germline): Benign/Likely benign. Review status: criteria provided, multiple submitters, no conflicts (2 of 4 stars). 3 submissions from 3 submitters: Benign (1); Likely benign (1). 1 of the submissions does not count toward it. Last evaluated 2025-11-19.

Conditions:
Microcephalic osteodysplastic primordial dwarfism type II (MOPD2). Also called: Microcephalic osteodysplastic primordial dwarfism with tooth abnormalities; MOPD II; OSTEODYSPLASTIC PRIMORDIAL DWARFISM, TYPE II. Identifiers: Orphanet 2637, MedGen C0432246, MONDO:0008872, OMIM 210720.
PCNT-related disorder. Also called: PCNT-related condition.

Allele frequency attached by ClinVar (database versions not stated): gnomAD 0.00003; gnomAD exomes 0.00005; TOPMed 0.00009; 1000 Genomes Project 0.00020; ExAC 0.00021; 1000 Genomes Project 30x 0.00031.
gnomAD v4.1: 74 of 1,604,358 alleles (0.0046%); highest among the groups gnomAD compares: Admixed American, 0.12%; 1 homozygote.

Submissions (3):

Labcorp Genetics (formerly Invitae), Labcorp
Classification: Benign. Last evaluated: 2025-11-19. Review status: criteria provided, single submitter. Criteria: Invitae Variant Classification Sherloc (09022015). Collection method: clinical testing. Allele origin: germline.

ARUP Laboratories, Molecular Genetics and Genomics, ARUP Laboratories
Classification: Likely benign for Microcephalic osteodysplastic primordial dwarfism type II. Last evaluated: 2023-09-14. Review status: criteria provided, single submitter. Criteria: ARUP Molecular Germline Variant Investigation Process 2024. Collection method: clinical testing. Allele origin: germline.

PreventionGenetics, part of Exact Sciences
Classification: Likely benign for PCNT-related condition. Last evaluated: 2022-05-25. Review status: no assertion criteria provided. Collection method: clinical testing. Allele origin: germline. Not counted in ClinVar's aggregate classification.
Comment: This variant is classified as likely benign based on ACMG/AMP sequence variant interpretation guidelines (Richards et al. 2015 PMID: 25741868, with internal and published modifications).